The following is an entry in ClinVar:

NM_003184.4(TAF2):c.2373T>G (p.Asp791Glu)

Gene: TAF2 (TATA-box binding protein associated factor 2; minus strand). Cytogenetic location: 8q24.12.
Variant type: single nucleotide variant.
Coding change: c.2373T>G on transcript NM_003184.4 (MANE Select); coding-DNA position 2373, T replaced by G.
Protein change: p.Asp791Glu; replaces aspartic acid 791 with glutamic acid.
Molecular consequence: missense variant.
Genome position (GRCh38, 1-based): chr8:119,762,600, A>C on the plus strand (T>G on the coding strand, the complement: TAF2 is on the minus strand). VCF-style: chr8-119762600-A-C. GRCh37 (hg19) VCF-style: chr8-120774840-A-C.
Other names: short protein forms D791E.
Identifiers: ClinVar variation 1809967 (VCV001809967.1), dbSNP rs2488243297, ClinGen allele CA371894357.

ClinVar aggregate classification (germline): Uncertain significance (1 of 4 stars; one submission).

Submission:

GeneDx
Classification: Uncertain significance. Last evaluated: 2022-06-29. Review status: criteria provided, single submitter. Criteria: GeneDx Variant Classification Process June 2021. Collection method: clinical testing. Allele origin: germline. Affected: yes.
Comment: Not observed at significant frequency in large population cohorts (gnomAD); In silico analysis supports that this missense variant has a deleterious effect on protein structure/function; Has not been previously published as pathogenic or benign to our knowledge